The following is an entry in ClinVar:

ClinVar aggregate classification (germline): Uncertain significance (1 of 4 stars; one submission).

Conditions:
Ataxia-telangiectasia syndrome (AT). Also called: Ataxia-telangiectasia, complementation group D; AT, COMPLEMENTATION GROUP C; ATAXIA-TELANGIECTASIA, COMPLEMENTATION GROUP A; ATAXIA-TELANGIECTASIA, FRESNO VARIANT; Ataxia-telangiectasia; Ataxia-telangiectasia, complementation group E. Identifiers: Orphanet 100, MedGen C0004135, MONDO:0008840, OMIM 208900.

Submission:

Labcorp Genetics (formerly Invitae), Labcorp
Classification: Uncertain significance for Ataxia-telangiectasia syndrome. Last evaluated: 2024-08-05. Review status: criteria provided, single submitter. Criteria: Invitae Variant Classification Sherloc (09022015). Collection method: clinical testing. Allele origin: germline.
Comment: This sequence change replaces asparagine, which is neutral and polar, with aspartic acid, which is acidic and polar, at codon 2994 of the ATM protein (p.Asn2994Asp). This variant is not present in population databases (gnomAD no frequency). This variant has not been reported in the literature in individuals affected with ATM-related conditions. An algorithm developed to predict the effect of missense changes on protein structure and function (PolyPhen-2) suggests that this variant is likely to be tolerated. In summary, the available evidence is currently insufficient to determine the role of this variant in disease. Therefore, it has been classified as a Variant of Uncertain Significance.

NM_000051.4(ATM):c.8980A>G (p.Asn2994Asp)

Genes: ATM (ATM serine/threonine kinase; plus strand), C11orf65 (chromosome 11 open reading frame 65; minus strand). Cytogenetic location: 11q22.3.
Variant type: single nucleotide variant.
Coding change: c.8980A>G on transcript NM_000051.4 (MANE Select); coding-DNA position 8980, A replaced by G.
Protein change: p.Asn2994Asp; replaces asparagine 2994 with aspartic acid.
Molecular consequence: missense variant. On other transcripts: intron variant (2).
Genome position (GRCh38, 1-based): chr11:108,365,211, A>G. VCF-style: chr11-108365211-A-G. GRCh37 (hg19) VCF-style: chr11-108235938-A-G.
Other names: c.8980A>G, p.Asn2994Asp (NM_001351834.2); c.640+20709T>C (NM_001330368.2); c.694+20709T>C (NM_001351110.2); short protein forms N2994D.
Identifiers: ClinVar variation 3679136 (VCV003679136.2).
Genomic context (GRCh38, chr11:108,365,211, plus strand): 5'-CCGGAAGATGAAACTGAGCTTCACCCTACTCTGAATGCAGATGACCAAGAATGCAAACGA[A>G]ATCTCAGGTGAGCAGTATTTTAAGAAGGTCCTGTTGTCAGTTTTTCAGATTTTCTTATTC-3'
Protein context (NP_000042.3, residues 2984-3004): LNADDQECKR[Asn2994Asp]LSDIDQSFNK